The following is an entry in ClinVar:

ClinVar aggregate classification (germline): Uncertain significance (1 of 4 stars; one submission).

Allele frequency attached by ClinVar (database versions not stated): gnomAD exomes 0.00001.

Submission:

Labcorp Genetics (formerly Invitae), Labcorp
Classification: Uncertain significance. Last evaluated: 2022-05-28. Review status: criteria provided, single submitter. Criteria: Invitae Variant Classification Sherloc (09022015). Collection method: clinical testing. Allele origin: germline.
Comment: This variant has not been reported in the literature in individuals affected with VARS2-related conditions. This sequence change replaces arginine, which is basic and polar, with tryptophan, which is neutral and slightly polar, at codon 160 of the VARS2 protein (p.Arg160Trp). This variant is present in population databases (no rsID available, gnomAD 0.01%). Algorithms developed to predict the effect of missense changes on protein structure and function are either unavailable or do not agree on the potential impact of this missense change (SIFT: "Deleterious"; PolyPhen-2: "Possibly Damaging"; Align-GVGD: "Class C0"). In summary, the available evidence is currently insufficient to determine the role of this variant in disease. Therefore, it has been classified as a Variant of Uncertain Significance.

NM_020442.6(VARS2):c.388C>T (p.Arg130Trp)

Gene: VARS2 (valyl-tRNA synthetase 2, mitochondrial; plus strand). Cytogenetic location: 6p21.33.
Variant type: single nucleotide variant.
Coding change: c.388C>T on transcript NM_020442.6 (MANE Select); coding-DNA position 388, C replaced by T.
Protein change: p.Arg130Trp; replaces arginine 130 with tryptophan.
Molecular consequence: missense variant. On other transcripts: 5 prime UTR variant (1).
Genome position (GRCh38, 1-based): chr6:30,915,749, C>T. VCF-style: chr6-30915749-C-T. GRCh37 (hg19) VCF-style: chr6-30883526-C-T.
Other names: c.-33C>T (NM_001167733.3); c.478C>T, p.Arg160Trp (NM_001167734.2); short protein forms R130W, R160W.
Identifiers: ClinVar variation 2180286 (VCV002180286.4), dbSNP rs1375535955, ClinGen allele CA363165829.